The following is an entry in ClinVar:

NM_005876.5(SPEG):c.7507C>T (p.Arg2503Cys)

Genes: ASIC4-AS1 (ASIC4 antisense RNA 1; minus strand), SPEG (striated muscle enriched protein kinase; plus strand). Cytogenetic location: 2q35.
Variant type: single nucleotide variant.
Coding change: c.7507C>T on transcript NM_005876.5 (MANE Select); coding-DNA position 7507, C replaced by T.
Protein change: p.Arg2503Cys; replaces arginine 2503 with cysteine.
Molecular consequence: missense variant.
Genome position (GRCh38, 1-based): chr2:219,484,970, C>T. VCF-style: chr2-219484970-C-T. GRCh37 (hg19) VCF-style: chr2-220349692-C-T.
Other names: short protein forms R2503C.
Identifiers: ClinVar variation 3003412 (VCV003003412.3), dbSNP rs2545949918, ClinGen allele CA350702843.

ClinVar aggregate classification (germline): Uncertain significance (1 of 4 stars; one submission).

Submission:

Labcorp Genetics (formerly Invitae), Labcorp
Classification: Uncertain significance. Last evaluated: 2023-12-10. Review status: criteria provided, single submitter. Criteria: Invitae Variant Classification Sherloc (09022015). Collection method: clinical testing. Allele origin: germline.
Comment: This sequence change replaces arginine, which is basic and polar, with cysteine, which is neutral and slightly polar, at codon 2503 of the SPEG protein (p.Arg2503Cys). This variant is not present in population databases (gnomAD no frequency). This variant has not been reported in the literature in individuals affected with SPEG-related conditions. An algorithm developed to predict the effect of missense changes on protein structure and function (PolyPhen-2) suggests that this variant is likely to be disruptive. In summary, the available evidence is currently insufficient to determine the role of this variant in disease. Therefore, it has been classified as a Variant of Uncertain Significance.